The following is an entry in ClinVar:

ClinVar aggregate classification (germline): Uncertain significance (1 of 4 stars; one submission).

Conditions:
HIVEP1-related disorder. Also called: HIVEP1-related condition.

gnomAD v4.1: 4 of 1,614,018 alleles (0.00025%); highest among the groups gnomAD compares: African/African-American, 0.0013%; no homozygotes.

Submission:

PreventionGenetics, part of Exact Sciences
Classification: Uncertain significance for HIVEP1-related condition. Last evaluated: 2026-06-08. Review status: criteria provided, single submitter. Criteria: ACMG Guidelines, 2015. Collection method: clinical testing. Allele origin: germline.
Comment: The HIVEP1 c.5197C>T variant is predicted to result in premature protein termination (p.Arg1733*). To our knowledge, this variant has not been reported in the literature or in a large population database (gnomAD), indicating this variant is rare. At this time, the clinical significance of this variant is uncertain due to the absence of conclusive functional and genetic evidence.

NM_002114.4(HIVEP1):c.5197C>T (p.Arg1733Ter)

Gene: HIVEP1 (HIVEP zinc finger 1; plus strand). Cytogenetic location: 6p24.1.
Variant type: single nucleotide variant.
Coding change: c.5197C>T on transcript NM_002114.4 (MANE Select); coding-DNA position 5197, C replaced by T.
Protein change: p.Arg1733Ter; replaces arginine 1733 with a stop codon.
Molecular consequence: nonsense.
Genome position (GRCh38, 1-based): chr6:12,124,992, C>T. VCF-style: chr6-12124992-C-T. GRCh37 (hg19) VCF-style: chr6-12125225-C-T.
Other names: short protein forms R1733*.
Identifiers: ClinVar variation 4986414 (VCV004986414.1).